The following is an entry in ClinVar:

ClinVar aggregate classification (germline): Likely benign. Review status: criteria provided, multiple submitters, no conflicts (2 of 4 stars). 3 submissions from 3 submitters: Likely benign (3). Last evaluated 2025-09-01.

Conditions:
Combined oxidative phosphorylation defect type 17. Also called: Combined oxidative phosphorylation deficiency 17. Identifiers: Orphanet 369913, MedGen C3809526, MONDO:0014190, OMIM 615440.

Allele frequency attached by ClinVar (database versions not stated): gnomAD exomes below 0.00001 and 0.00001; TOPMed below 0.00001; ExAC 0.00001.
gnomAD v4.1: 10 of 1,610,556 alleles (0.00062%); highest among the groups gnomAD compares: East Asian, 0.0022%; no homozygotes.

Submissions (3):

Labcorp Genetics (formerly Invitae), Labcorp
Classification: Likely benign for Combined oxidative phosphorylation defect type 17. Last evaluated: 2025-09-01. Review status: criteria provided, single submitter. Criteria: Invitae Variant Classification Sherloc (09022015). Collection method: clinical testing. Allele origin: germline.

CeGaT Center for Human Genetics Tuebingen
Classification: Likely benign. Last evaluated: 2022-12-01. Review status: criteria provided, single submitter. Criteria: CeGaT Center For Human Genetics Tuebingen Variant Classification Criteria Version 2. Collection method: clinical testing. Allele origin: germline. Affected: yes. Observed: 1 variant allele.
Comment: ELAC2: BP4, BP7

Blueprint Genetics
Classification: Likely benign. Last evaluated: 2022-05-31. Review status: criteria provided, single submitter. Criteria: ACMG Guidelines, 2015. Collection method: clinical testing. Allele origin: germline.

NM_018127.7(ELAC2):c.2325C>T (p.Ile775=)

Gene: ELAC2 (elaC ribonuclease Z 2; minus strand). Cytogenetic location: 17p12.
Variant type: single nucleotide variant.
Coding change: c.2325C>T on transcript NM_018127.7 (MANE Select); coding-DNA position 2325, C replaced by T.
Protein change: p.Ile775=; no amino-acid change (isoleucine 775 retained).
Molecular consequence: synonymous variant.
Genome position (GRCh38, 1-based): chr17:12,992,974, G>A on the plus strand (C>T on the coding strand, the complement: ELAC2 is on the minus strand). VCF-style: chr17-12992974-G-A. GRCh37 (hg19) VCF-style: chr17-12896291-G-A.
Other names: c.2205C>T, p.Ile735= (NM_001165962.2); c.2322C>T, p.Ile774= (NM_173717.2).
Identifiers: ClinVar variation 474565 (VCV000474565.32), dbSNP rs775479429, ClinGen allele CA8400833.